The following is an entry in ClinVar:

ClinVar aggregate classification (germline): Likely benign. Review status: criteria provided, multiple submitters, no conflicts (2 of 4 stars). 2 submissions from 2 submitters: Likely benign (2). Last evaluated 2025-08-04.

Conditions:
Megalencephaly-polymicrogyria-postaxial polydactyly-hydrocephalus syndrome. Also called: MPPH Syndrome; MEG-PMG-MEGACC SYNDROME. Identifiers: Orphanet 83473, MedGen C1863924, MONDO:0019375.

Allele frequency attached by ClinVar (database versions not stated): gnomAD exomes 0.00022 and 0.00120; gnomAD 0.00034 and 0.00037; TOPMed 0.00039.
gnomAD v4.1: 348 of 1,325,932 alleles (0.026%); highest among the groups gnomAD compares: Admixed American, 0.027%; 1 homozygote.

Submissions (2):

Labcorp Genetics (formerly Invitae), Labcorp
Classification: Likely benign for Megalencephaly-polymicrogyria-postaxial polydactyly-hydrocephalus syndrome. Last evaluated: 2025-08-04. Review status: criteria provided, single submitter. Criteria: Invitae Variant Classification Sherloc (09022015). Collection method: clinical testing. Allele origin: germline.

CeGaT Center for Human Genetics Tuebingen
Classification: Likely benign. Last evaluated: 2023-09-01. Review status: criteria provided, single submitter. Criteria: CeGaT Center For Human Genetics Tuebingen Variant Classification Criteria Version 2. Collection method: clinical testing. Allele origin: germline. Affected: yes. Observed: 2 variant alleles.
Comment: PIK3R2: BP4, BP7

NM_005027.4(PIK3R2):c.657G>A (p.Ala219=)

Genes: PIK3R2 (phosphoinositide-3-kinase regulatory subunit 2; plus strand), LOC130063979 (ATAC-STARR-seq lymphoblastoid silent region 10375; plus strand). Cytogenetic location: 19p13.11.
Variant type: single nucleotide variant.
Coding change: c.657G>A on transcript NM_005027.4 (MANE Select); coding-DNA position 657, G replaced by A.
Protein change: p.Ala219=; no amino-acid change (alanine 219 retained).
Molecular consequence: synonymous variant. On other transcripts: non-coding transcript variant (1).
Genome position (GRCh38, 1-based): chr19:18,161,337, G>A. VCF-style: chr19-18161337-G-A. GRCh37 (hg19) VCF-style: chr19-18272147-G-A.
Identifiers: ClinVar variation 1539565 (VCV001539565.32), dbSNP rs772272053, ClinGen allele CA9306804.